The following is an entry in ClinVar:

ClinVar aggregate classification (germline): Uncertain significance. Review status: criteria provided, multiple submitters, no conflicts (2 of 4 stars). 3 submissions from 3 submitters: Uncertain significance (3). Last evaluated 2026-07-07.

Conditions:
RYR1-related disorder. Also called: RYR1-related condition; RYR1-related disorders. Identifiers: MedGen CN239331.
Inborn genetic diseases. Identifiers: MedGen C0950123, MeSH D030342.

Allele frequency attached by ClinVar (database versions not stated): TOPMed 0.00002; 1000 Genomes Project 0.00020; 1000 Genomes Project 30x 0.00016.
gnomAD v4.1: 14 of 1,614,058 alleles (0.00087%); highest among the groups gnomAD compares: East Asian, 0.031%; no homozygotes.

Submissions (3):

Ambry Genetics
Classification: Uncertain significance for Inborn genetic diseases. Last evaluated: 2026-07-07. Review status: criteria provided, single submitter. Criteria: Ambry Variant Classification Scheme 2023. Collection method: clinical testing. Allele origin: germline.
Comment: The p.R3337G variant (also known as c.10009C>G), located in coding exon 66 of the RYR1 gene, results from a C to G substitution at nucleotide position 10009. The arginine at codon 3337 is replaced by glycine, an amino acid with dissimilar properties. This amino acid position is conserved. In addition, this alteration is predicted to be deleterious by in silico analysis. Based on the available evidence, the clinical significance of this variant remains unclear.

Women's Health and Genetics/Laboratory Corporation of America, LabCorp
Classification: Uncertain significance. Last evaluated: 2025-09-24. Review status: criteria provided, single submitter. Criteria: LabCorp Variant Classification Summary - May 2015. Collection method: clinical testing. Allele origin: germline.
Comment: Variant summary: RYR1 c.10009C>G (p.Arg3337Gly) results in a non-conservative amino acid change in the encoded protein sequence. Algorithms developed to predict the effect of missense changes on protein structure and function all suggest that this variant is likely to be disruptive. The variant allele was found at a frequency of 5.2e-05 in 248474 control chromosomes. This frequency is not significantly higher than estimated for disease-causing variants in RYR1, allowing no conclusion about variant significance. To our knowledge, no occurrence of c.10009C>G in individuals affected with RYR1-related conditions and no experimental evidence demonstrating its impact on protein function have been reported. ClinVar contains an entry for this variant (Variation ID: 2916282). Based on the evidence outlined above, the variant was classified as uncertain significance.

Labcorp Genetics (formerly Invitae), Labcorp
Classification: Uncertain significance for RYR1-related disorder. Last evaluated: 2024-01-18. Review status: criteria provided, single submitter. Criteria: Invitae Variant Classification Sherloc (09022015). Collection method: clinical testing. Allele origin: germline.
Comment: This sequence change replaces arginine, which is basic and polar, with glycine, which is neutral and non-polar, at codon 3337 of the RYR1 protein (p.Arg3337Gly). This variant is present in population databases (rs200296387, gnomAD 0.06%). This variant has not been reported in the literature in individuals affected with RYR1-related conditions. Advanced modeling of protein sequence and biophysical properties (such as structural, functional, and spatial information, amino acid conservation, physicochemical variation, residue mobility, and thermodynamic stability) performed at Invitae indicates that this missense variant is expected to disrupt RYR1 protein function with a positive predictive value of 95%. Algorithms developed to predict the effect of sequence changes on RNA splicing suggest that this variant may disrupt the consensus splice site. In summary, the available evidence is currently insufficient to determine the role of this variant in disease. Therefore, it has been classified as a Variant of Uncertain Significance.

NM_000540.3(RYR1):c.10009C>G (p.Arg3337Gly)

Gene: RYR1 (ryanodine receptor 1; plus strand). Cytogenetic location: 19q13.2.
Variant type: single nucleotide variant.
Coding change: c.10009C>G on transcript NM_000540.3 (MANE Select); coding-DNA position 10009, C replaced by G.
Protein change: p.Arg3337Gly; replaces arginine 3337 with glycine.
Molecular consequence: missense variant.
Genome position (GRCh38, 1-based): chr19:38,517,682, C>G. VCF-style: chr19-38517682-C-G. GRCh37 (hg19) VCF-style: chr19-39008322-C-G.
Other names: c.10009C>G (NM_000540.2); c.10009C>G, p.Arg3337Gly (NM_001042723.2); short protein forms R3337G.
Identifiers: ClinVar variation 2916282 (VCV002916282.4), dbSNP rs200296387, ClinGen allele CA052054.